The following is an entry in ClinVar:

NM_138927.4(SON):c.3911T>C (p.Val1304Ala)

Gene: SON (SON DNA and RNA binding protein; plus strand). Cytogenetic location: 21q22.11.
Variant type: single nucleotide variant.
Coding change: c.3911T>C on transcript NM_138927.4 (MANE Select); coding-DNA position 3911, T replaced by C.
Protein change: p.Val1304Ala; replaces valine 1304 with alanine.
Molecular consequence: missense variant. On other transcripts: non-coding transcript variant (1), intron variant (1).
Genome position (GRCh38, 1-based): chr21:33,553,142, T>C. VCF-style: chr21-33553142-T-C. GRCh37 (hg19) VCF-style: chr21-34925448-T-C.
Other names: c.3911T>C, p.Val1304Ala (NM_001291411.2, NM_001412133.1, NM_032195.3 and 2 more transcripts); c.245-4014T>C (NM_001291412.3); short protein forms V1304A.
Identifiers: ClinVar variation 2073357 (VCV002073357.10), dbSNP rs752935686, ClinGen allele CA10009396.

ClinVar aggregate classification (germline): Conflicting classifications of pathogenicity. Review status: criteria provided, conflicting classifications (1 of 4 stars). 2 submissions from 2 submitters: Uncertain significance (1); Likely benign (1). Last evaluated 2025-11-01.

Allele frequency attached by ClinVar (database versions not stated): TOPMed 0.00002; gnomAD 0.00003; ExAC 0.00007.

Submissions (2):

CeGaT Center for Human Genetics Tuebingen
Classification: Likely benign. Last evaluated: 2025-11-01. Review status: criteria provided, single submitter. Criteria: CeGaT Center For Human Genetics Tuebingen Variant Classification Criteria Version 2. Collection method: clinical testing. Allele origin: germline. Affected: yes. Observed: 1 variant allele.
Comment: SON: BP4, BS2

Labcorp Genetics (formerly Invitae), Labcorp
Classification: Uncertain significance. Last evaluated: 2025-03-23. Review status: criteria provided, single submitter. Criteria: Invitae Variant Classification Sherloc (09022015). Collection method: clinical testing. Allele origin: germline.
Comment: This sequence change replaces valine, which is neutral and non-polar, with alanine, which is neutral and non-polar, at codon 1304 of the SON protein (p.Val1304Ala). This variant is present in population databases (rs752935686, gnomAD 0.02%), including at least one homozygous and/or hemizygous individual. This variant has not been reported in the literature in individuals affected with SON-related conditions. ClinVar contains an entry for this variant (Variation ID: 2073357). An algorithm developed to predict the effect of missense changes on protein structure and function (PolyPhen-2) suggests that this variant is likely to be tolerated. In summary, the available evidence is currently insufficient to determine the role of this variant in disease. Therefore, it has been classified as a Variant of Uncertain Significance.